The following is an entry in ClinVar:

NC_000019.9:g.(?_3094650)_(3094805_?)dup

Gene: GNA11 (G protein subunit alpha 11; plus strand). Cytogenetic location: 19p13.3.
Variant type: Duplication.
Identifiers: ClinVar variation 2424351 (VCV002424351.3).

ClinVar aggregate classification (germline): Uncertain significance (1 of 4 stars; one submission).

Submission:

Labcorp Genetics (formerly Invitae), Labcorp
Classification: Uncertain significance. Last evaluated: 2022-04-28. Review status: criteria provided, single submitter. Criteria: Invitae Variant Classification Sherloc (09022015). Collection method: clinical testing. Allele origin: germline.
Comment: This variant results in a copy number gain of the genomic region encompassing exon(s) 1 of the GNA11 gene. This region includes the initiator codon of the gene. This copy number gain extends beyond the assayed region for this gene and therefore may encompass additional genes. As the precise location of this event is unknown, it may be in tandem or it may be located elsewhere in the genome. This variant has not been reported in the literature in individuals affected with GNA11-related conditions. Experimental studies and prediction algorithms are not available or were not evaluated, and the functional significance of this variant is currently unknown. In summary, the available evidence is currently insufficient to determine the role of this variant in disease. Therefore, it has been classified as a Variant of Uncertain Significance.